The following is an entry in ClinVar:

ClinVar aggregate classification (germline): Uncertain significance (1 of 4 stars; one submission).

gnomAD v4.1: 8 of 1,614,090 alleles (0.0005%); highest among the groups gnomAD compares: Admixed American, 0.0033%; no homozygotes.

Submission:

Labcorp Genetics (formerly Invitae), Labcorp
Classification: Uncertain significance. Last evaluated: 2025-04-01. Review status: criteria provided, single submitter. Criteria: Invitae Variant Classification Sherloc (09022015). Collection method: clinical testing. Allele origin: germline.
Comment: This sequence change affects codon 1687 of the FOCAD mRNA. It is a 'silent' change, meaning that it does not change the encoded amino acid sequence of the FOCAD protein. This variant is present in population databases (rs754400031, gnomAD 0.002%). This variant has not been reported in the literature in individuals affected with FOCAD-related conditions. Experimental studies and prediction algorithms are not available or were not evaluated, and the effect of this variant on mRNA splicing is currently unknown. In summary, the available evidence is currently insufficient to determine the role of this variant in disease. Therefore, it has been classified as a Variant of Uncertain Significance.

NM_001375567.1(FOCAD):c.5061C>T (p.His1687=)

Gene: FOCAD (focadhesin; plus strand). Cytogenetic location: 9p21.3.
Variant type: single nucleotide variant.
Coding change: c.5061C>T on transcript NM_001375567.1 (MANE Select); coding-DNA position 5061, C replaced by T.
Protein change: p.His1687=; no amino-acid change (histidine 1687 retained).
Molecular consequence: synonymous variant.
Genome position (GRCh38, 1-based): chr9:20,990,179, C>T. VCF-style: chr9-20990179-C-T. GRCh37 (hg19) VCF-style: chr9-20990178-C-T.
Other names: c.4956C>T, p.His1652= (NM_001375568.1, NM_001375570.1); c.5061C>T, p.His1687= (NM_017794.5).
Identifiers: ClinVar variation 3719430 (VCV003719430.2).
Genomic context (GRCh38, chr9:20,990,179, plus strand): 5'-GTAGGCTTTGGACTTCTTCTTGCTGATATTTGCAACCGCAGTGGTTGCATGGGCTGACCA[C>T]ACTGCCCCTCTCCTCCTCGGCCTCAGTGCCAGTTGGTTGCCATGGCATCAGGAGAATGGC-3'
Protein context (NP_001362496.1, residues 1677-1697): FATAVVAWAD[His1687=]TAPLLLGLSA